The following is an entry in ClinVar:

NM_144988.4(ALG14):c.478G>A (p.Gly160Arg)

Gene: ALG14 (ALG14 UDP-N-acetylglucosaminyltransferase subunit; minus strand). Cytogenetic location: 1p21.3.
Variant type: single nucleotide variant.
Coding change: c.478G>A on transcript NM_144988.4 (MANE Select); coding-DNA position 478, G replaced by A.
Protein change: p.Gly160Arg; replaces glycine 160 with arginine.
Molecular consequence: missense variant. On other transcripts: 3 prime UTR variant (1), non-coding transcript variant (1).
Genome position (GRCh38, 1-based): chr1:94,983,249, C>T on the plus strand (G>A on the coding strand, the complement: ALG14 is on the minus strand). VCF-style: chr1-94983249-C-T. GRCh37 (hg19) VCF-style: chr1-95448805-C-T.
Other names: c.*47G>A (NM_001305242.2); short protein forms G160R.
Identifiers: ClinVar variation 1959353 (VCV001959353.3), dbSNP rs2525552720, ClinGen allele CA341364613.
Genomic context (GRCh38, chr1:94,983,249, plus strand): 5'-TTTCTACACGGCAGATGCTTTCAACGTAGACAATGATCACTTTCTTTATTCCTAGTATCC[C>T]AAGGAGAAGGGCAGATACACAGATAGGAACACATGTTCCTGGTCCGTTACACAACACCTG-3'
Protein context (NP_659425.1, residues 150-170): VPICVSALLL[Gly160Arg]ILGIKKVIIV

ClinVar aggregate classification (germline): Uncertain significance (1 of 4 stars; one submission).

Conditions:
Congenital myasthenic syndrome 15. Also called: Myasthenic syndrome, congenital, 15, without tubular aggregates. Identifiers: Orphanet 353327, Orphanet 590, MedGen C4015596, MONDO:0014542, OMIM 616227.

Allele frequency attached by ClinVar (database versions not stated): gnomAD exomes below 0.00001.
gnomAD v4.1: 3 of 1,614,040 alleles (0.00019%); highest among the groups gnomAD compares: Non-Finnish European, 0.00017%; no homozygotes.

Submission:

Labcorp Genetics (formerly Invitae), Labcorp
Classification: Uncertain significance for Congenital myasthenic syndrome 15. Last evaluated: 2022-02-11. Review status: criteria provided, single submitter. Criteria: Invitae Variant Classification Sherloc (09022015). Collection method: clinical testing. Allele origin: germline.
Comment: In summary, the available evidence is currently insufficient to determine the role of this variant in disease. Therefore, it has been classified as a Variant of Uncertain Significance. Algorithms developed to predict the effect of sequence changes on RNA splicing suggest that this variant may create or strengthen a splice site. Algorithms developed to predict the effect of missense changes on protein structure and function (SIFT, PolyPhen-2, Align-GVGD) all suggest that this variant is likely to be tolerated. This variant has not been reported in the literature in individuals affected with ALG14-related conditions. This variant is not present in population databases (gnomAD no frequency). This sequence change replaces glycine, which is neutral and non-polar, with arginine, which is basic and polar, at codon 160 of the ALG14 protein (p.Gly160Arg).